The following is an entry in ClinVar:

NM_000384.3(APOB):c.6002C>A (p.Thr2001Asn)

Gene: APOB (apolipoprotein B; minus strand). Cytogenetic location: 2p24.1.
Variant type: single nucleotide variant.
Coding change: c.6002C>A on transcript NM_000384.3 (MANE Select); coding-DNA position 6002, C replaced by A.
Protein change: p.Thr2001Asn; replaces threonine 2001 with asparagine.
Molecular consequence: missense variant.
Genome position (GRCh38, 1-based): chr2:21,010,866, G>T on the plus strand (C>A on the coding strand, the complement: APOB is on the minus strand). VCF-style: chr2-21010866-G-T. GRCh37 (hg19) VCF-style: chr2-21233738-G-T.
Other names: c.6002C>A (NM_000384.2); short protein forms T2001N.
Identifiers: ClinVar variation 2193590 (VCV002193590.2), dbSNP rs763424475, ClinGen allele CA346003510.

ClinVar aggregate classification (germline): Uncertain significance. Review status: criteria provided, multiple submitters, no conflicts (2 of 4 stars). 2 submissions from 2 submitters: Uncertain significance (2). Last evaluated 2026-07-28.

Conditions:
Hypercholesterolemia, autosomal dominant, type B (FHCL2). Also called: Familial Hypercholesterolemia Type B; APOLIPOPROTEIN B-100, FAMILIAL DEFECTIVE; APOLIPOPROTEIN B-100, FAMILIAL LIGAND-DEFECTIVE; HYPERCHOLESTEROLEMIA, FAMILIAL, DUE TO LIGAND-DEFECTIVE APOLIPOPROTEIN B; APOB-Related Familial Hypercholesterolemia, Autosomal Dominant; Hyperlipoproteinemia Type IIb. Identifiers: MedGen C1704417, MONDO:0007751, OMIM 144010.
Familial hypobetalipoproteinemia 1. Also called: APOB-Related Familial Hypobetalipoproteinemia; Hypobetalipoproteinemia, normotriglyceridemic; Acanthocytosis with hypobetalipoproteinemia. Identifiers: MedGen C4551990, MONDO:0014252, OMIM 615558.
Cardiovascular phenotype. Identifiers: MedGen CN230736.

Submissions (2):

Ambry Genetics
Classification: Uncertain significance for Cardiovascular phenotype. Last evaluated: 2026-07-28. Review status: criteria provided, single submitter. Criteria: Ambry Variant Classification Scheme 2023. Collection method: clinical testing. Allele origin: germline.
Comment: The p.T2001N variant (also known as c.6002C>A), located in coding exon 26 of the APOB gene, results from a C to A substitution at nucleotide position 6002. The threonine at codon 2001 is replaced by asparagine, an amino acid with similar properties. This amino acid position is conserved. In addition, this alteration is predicted to be tolerated by in silico analysis. Based on the available evidence, the clinical significance of this variant remains unclear.

Labcorp Genetics (formerly Invitae), Labcorp
Classification: Uncertain significance for Familial hypobetalipoproteinemia 1; Hypercholesterolemia, autosomal dominant, type B. Last evaluated: 2022-08-27. Review status: criteria provided, single submitter. Criteria: Invitae Variant Classification Sherloc (09022015). Collection method: clinical testing. Allele origin: germline.
Comment: This sequence change replaces threonine, which is neutral and polar, with asparagine, which is neutral and polar, at codon 2001 of the APOB protein (p.Thr2001Asn). This variant is not present in population databases (gnomAD no frequency). This variant has not been reported in the literature in individuals affected with APOB-related conditions. Algorithms developed to predict the effect of missense changes on protein structure and function output the following: SIFT: "Tolerated"; PolyPhen-2: "Benign"; Align-GVGD: "Class C0". The asparagine amino acid residue is found in multiple mammalian species, which suggests that this missense change does not adversely affect protein function. In summary, the available evidence is currently insufficient to determine the role of this variant in disease. Therefore, it has been classified as a Variant of Uncertain Significance.